The following is an entry in ClinVar:

ClinVar aggregate classification (germline): Uncertain significance (1 of 4 stars; one submission).

Conditions:
Inborn genetic diseases. Identifiers: MedGen C0950123, MeSH D030342.

Submission:

Ambry Genetics
Classification: Uncertain significance for Inborn genetic diseases. Last evaluated: 2024-09-30. Review status: criteria provided, single submitter. Criteria: Ambry Variant Classification Scheme 2023. Collection method: clinical testing. Allele origin: germline.
Comment: The p.E2617A variant (also known as c.7850A>C), located in coding exon 47 of the ATR gene, results from an A to C substitution at nucleotide position 7850. The glutamic acid at codon 2617 is replaced by alanine, an amino acid with dissimilar properties. This amino acid position is conserved. In addition, this alteration is predicted to be deleterious by in silico analysis. Based on the available evidence, the clinical significance of this variant remains unclear.

NM_001184.4(ATR):c.7850A>C (p.Glu2617Ala)

Gene: ATR (ATR serine/threonine kinase; minus strand). Cytogenetic location: 3q23.
Variant type: single nucleotide variant.
Coding change: c.7850A>C on transcript NM_001184.4 (MANE Select); coding-DNA position 7850, A replaced by C.
Protein change: p.Glu2617Ala; replaces glutamic acid 2617 with alanine.
Molecular consequence: missense variant.
Genome position (GRCh38, 1-based): chr3:142,449,514, T>G on the plus strand (A>C on the coding strand, the complement: ATR is on the minus strand). VCF-style: chr3-142449514-T-G. GRCh37 (hg19) VCF-style: chr3-142168356-T-G.
Other names: c.7658A>C, p.Glu2553Ala (NM_001354579.2); short protein forms E2617A, E2553A.
Identifiers: ClinVar variation 3461863 (VCV003461863.1).